The following is an entry in ClinVar:

NM_001267550.2(TTN):c.98169A>C (p.Arg32723Ser)

Genes: TTN-AS1 (TTN antisense RNA 1; plus strand), TTN (titin; minus strand). Cytogenetic location: 2q31.2.
Variant type: single nucleotide variant.
Coding change: c.98169A>C on transcript NM_001267550.2 (MANE Select); coding-DNA position 98169, A replaced by C.
Protein change: p.Arg32723Ser; replaces arginine 32723 with serine.
Molecular consequence: missense variant.
Genome position (GRCh38, 1-based): chr2:178,539,896, T>G on the plus strand (A>C on the coding strand, the complement: TTN is on the minus strand). VCF-style: chr2-178539896-T-G. GRCh37 (hg19) VCF-style: chr2-179404623-T-G.
Other names: c.93246A>C, p.Arg31082Ser (NM_001256850.1); c.70974A>C, p.Arg23658Ser (NM_003319.4); c.90465A>C, p.Arg30155Ser (NM_133378.4); c.71349A>C, p.Arg23783Ser (NM_133432.3); c.71550A>C, p.Arg23850Ser (NM_133437.4); short protein forms R30155S, R32723S, R23783S, R23850S, R31082S, R23658S.
Identifiers: ClinVar variation 332713 (VCV000332713.8), dbSNP rs753058072, ClinGen allele CA1986418.

ClinVar aggregate classification (germline): Uncertain significance. Review status: criteria provided, multiple submitters, no conflicts (2 of 4 stars). 8 submissions from 4 submitters: Uncertain significance (8). Last evaluated 2026-06-08.

Conditions:
Autosomal recessive limb-girdle muscular dystrophy type 2J (LGMDR10). Also called: Limb-girdle muscular dystrophy, type 2J; MUSCULAR DYSTROPHY, LIMB-GIRDLE, AUTOSOMAL RECESSIVE 10. Identifiers: Orphanet 140922, MedGen C1837342, MONDO:0012127, OMIM 608807.
TTN-related disorder. Also called: TTN-related disorders; TTN-related condition; TTN-related disease.
Early-onset myopathy with fatal cardiomyopathy (CMYO5). Also called: Salih Myopathy; CONGENITAL MYOPATHY 5 WITH CARDIOMYOPATHY. Identifiers: Orphanet 289377, MedGen C2673677, MONDO:0012714, OMIM 611705. Disease mechanism: loss of function.
Myopathy, myofibrillar, 9, with early respiratory failure (MFM9). Also called: MYOPATHY, PROXIMAL, WITH EARLY RESPIRATORY MUSCLE INVOLVEMENT; Hereditary myopathy with early respiratory failure; Myopathy, distal, with early respiratory failure, autosomal dominant; EDSTROM MYOPATHY. Identifiers: Orphanet 178464, Orphanet 34521, MedGen C1863599, MONDO:0011362, OMIM 603689.
Tibial muscular dystrophy (TMD). Also called: UDD MYOPATHY; Tibial muscular dystrophy, tardive; Udd Distal Myopathy – Tibial Muscular Dystrophy. Identifiers: Orphanet 609, MedGen C1838244, MONDO:0010870, OMIM 600334.
Dilated cardiomyopathy 1G (CMD1G). Identifiers: Orphanet 154, MedGen C1858763, MONDO:0011400, OMIM 604145.

Allele frequency attached by ClinVar (database versions not stated): TOPMed below 0.00001; ExAC 0.00001; gnomAD 0.00001; gnomAD exomes 0.00001.
gnomAD v4.1: 15 of 1,613,728 alleles (0.00093%); highest among the groups gnomAD compares: Middle Eastern, 0.016%; no homozygotes.

Submissions (8):

PreventionGenetics, part of Exact Sciences
Classification: Uncertain significance for TTN-related condition. Last evaluated: 2026-06-08. Review status: criteria provided, single submitter. Criteria: ACMG Guidelines, 2015. Collection method: clinical testing. Allele origin: germline.
Comment: The TTN c.98169A>C variant is predicted to result in the amino acid substitution p.Arg32723Ser. To our knowledge, this variant has not been reported in the literature. This variant is reported in 0.0033% of alleles in individuals of South Asian descent in gnomAD. At this time, the clinical significance of this variant is uncertain due to the absence of conclusive functional and genetic evidence.

Women's Health and Genetics/Laboratory Corporation of America, LabCorp
Classification: Uncertain significance. Last evaluated: 2026-04-02. Review status: criteria provided, single submitter. Criteria: LabCorp Variant Classification Summary - May 2015. Collection method: clinical testing. Allele origin: germline.

Revvity Omics, Revvity
Classification: Uncertain significance. Last evaluated: 2023-10-31. Review status: criteria provided, single submitter. Criteria: ACMG Guidelines, 2015. Collection method: clinical testing. Allele origin: germline.

Illumina Laboratory Services, Illumina
Classification: Uncertain significance for Myopathy, myofibrillar, 9, with early respiratory failure. Last evaluated: 2018-01-13. Review status: criteria provided, single submitter. Criteria: ICSL Variant Classification Criteria 13 December 2019. Collection method: clinical testing. Allele origin: germline.

Illumina Laboratory Services, Illumina
Classification: Uncertain significance for Autosomal recessive limb-girdle muscular dystrophy type 2J. Last evaluated: 2018-01-13. Review status: criteria provided, single submitter. Criteria: ICSL Variant Classification Criteria 13 December 2019. Collection method: clinical testing. Allele origin: germline.

Illumina Laboratory Services, Illumina
Classification: Uncertain significance for Early-onset myopathy with fatal cardiomyopathy. Last evaluated: 2018-01-13. Review status: criteria provided, single submitter. Criteria: ICSL Variant Classification Criteria 13 December 2019. Collection method: clinical testing. Allele origin: germline.

Illumina Laboratory Services, Illumina
Classification: Uncertain significance for Tibial muscular dystrophy. Last evaluated: 2018-01-13. Review status: criteria provided, single submitter. Criteria: ICSL Variant Classification Criteria 13 December 2019. Collection method: clinical testing. Allele origin: germline.

Illumina Laboratory Services, Illumina
Classification: Uncertain significance for Dilated cardiomyopathy 1G. Last evaluated: 2018-01-13. Review status: criteria provided, single submitter. Criteria: ICSL Variant Classification Criteria 13 December 2019. Collection method: clinical testing. Allele origin: germline.